The following is an entry in ClinVar:

ClinVar aggregate classification (germline): Uncertain significance. Review status: criteria provided, multiple submitters, no conflicts (2 of 4 stars). 2 submissions from 2 submitters: Uncertain significance (2). Last evaluated 2024-01-19.

Conditions:
Gnathodiaphyseal dysplasia (GDD). Also called: GNATHODIAPHYSEAL SCLEROSIS; OSTEOGENESIS IMPERFECTA WITH UNUSUAL SKELETAL LESIONS. Identifiers: Orphanet 53697, MedGen C1833736, MONDO:0008151, OMIM 166260.
Autosomal recessive limb-girdle muscular dystrophy type 2L (LGMDR12). Also called: Limb-girdle muscular dystrophy, type 2L; Limb-Girdle Muscular Dystrophy R12 Anoctamin-5-Related (LGMD-R12); MUSCULAR DYSTROPHY, LIMB-GIRDLE, AUTOSOMAL RECESSIVE 12. Identifiers: Orphanet 206549, MedGen C1969785, MONDO:0012652, OMIM 611307.

Allele frequency attached by ClinVar (database versions not stated): gnomAD exomes below 0.00001; TOPMed below 0.00001; gnomAD 0.00001.
gnomAD v4.1: 3 of 1,612,002 alleles (0.00019%); highest among the groups gnomAD compares: Non-Finnish European, 0.00017%; no homozygotes.

Submissions (2):

Labcorp Genetics (formerly Invitae), Labcorp
Classification: Uncertain significance for Autosomal recessive limb-girdle muscular dystrophy type 2L; Gnathodiaphyseal dysplasia. Last evaluated: 2024-01-19. Review status: criteria provided, single submitter. Criteria: Invitae Variant Classification Sherloc (09022015). Collection method: clinical testing. Allele origin: germline.
Comment: This sequence change replaces serine, which is neutral and polar, with proline, which is neutral and non-polar, at codon 222 of the ANO5 protein (p.Ser222Pro). This variant is not present in population databases (gnomAD no frequency). This variant has not been reported in the literature in individuals affected with ANO5-related conditions. ClinVar contains an entry for this variant (Variation ID: 282292). Advanced modeling of protein sequence and biophysical properties (such as structural, functional, and spatial information, amino acid conservation, physicochemical variation, residue mobility, and thermodynamic stability) has been performed at Invitae for this missense variant, however the output from this modeling did not meet the statistical confidence thresholds required to predict the impact of this variant on ANO5 protein function. In summary, the available evidence is currently insufficient to determine the role of this variant in disease. Therefore, it has been classified as a Variant of Uncertain Significance.

Eurofins Ntd Llc (ga)
Classification: Uncertain significance. Last evaluated: 2015-08-07. Review status: criteria provided, single submitter. Criteria: EGL Classification Definitions 2015. Collection method: clinical testing. Allele origin: germline. Observed: 1 variant allele, 1 heterozygote.

NM_213599.3(ANO5):c.664T>C (p.Ser222Pro)

Gene: ANO5 (anoctamin 5; plus strand). Cytogenetic location: 11p14.3.
Variant type: single nucleotide variant.
Coding change: c.664T>C on transcript NM_213599.3 (MANE Select); coding-DNA position 664, T replaced by C.
Protein change: p.Ser222Pro; replaces serine 222 with proline.
Molecular consequence: missense variant.
Genome position (GRCh38, 1-based): chr11:22,236,178, T>C. VCF-style: chr11-22236178-T-C. GRCh37 (hg19) VCF-style: chr11-22257724-T-C.
Other names: c.661T>C, p.Ser221Pro (NM_001142649.2); short protein forms S222P, S221P.
Identifiers: ClinVar variation 282292 (VCV000282292.8), dbSNP rs886042372, ClinGen allele CA10604137.